The following is an entry in ClinVar:

ClinVar aggregate classification (germline): Conflicting classifications of pathogenicity. Review status: criteria provided, conflicting classifications (1 of 4 stars). 2 submissions from 2 submitters: Uncertain significance (1); Likely benign (1). Last evaluated 2026-09-14.

Conditions:
Hereditary cancer-predisposing syndrome. Also called: Neoplastic Syndromes, Hereditary; Tumor predisposition; Hereditary Cancer Syndrome; Hereditary neoplastic syndrome. Identifiers: Orphanet 140162, MedGen C0027672, MeSH D009386, MONDO:0015356.
Breast-ovarian cancer, familial, susceptibility to, 2 (BROVCA2). Also called: BRCA2 Hereditary Breast and Ovarian Cancer. Identifiers: Orphanet 145, MedGen C2675520, MONDO:0012933, OMIM 612555. Disease mechanism: loss of function.

gnomAD v4.1: 1 of 1,600,388 alleles (0.000062%); highest among the groups gnomAD compares: Non-Finnish European, 0.000085%; no homozygotes.

Submissions (2):

Ambry Genetics
Classification: Uncertain significance for Hereditary cancer-predisposing syndrome. Last evaluated: 2026-09-14. Review status: criteria provided, single submitter. Criteria: Ambry Variant Classification Scheme 2023. Collection method: clinical testing. Allele origin: germline.
Comment: The p.V1347A variant (also known as c.4040T>C), located in coding exon 10 of the BRCA2 gene, results from a T to C substitution at nucleotide position 4040. The valine at codon 1347 is replaced by alanine, an amino acid with similar properties. This amino acid position is conserved. In addition, this alteration is predicted to be tolerated by in silico analysis. Based on the available evidence, the clinical significance of this variant remains unclear.

Cancer Bioinformatics and Tumour Evolution Laboratory, Monash University
Classification: Likely benign for Breast-ovarian cancer, familial, susceptibility to, 2. Last evaluated: 2026-05-01. Review status: criteria provided, single submitter. Criteria: ClinGen BRCA1 and BRCA2 Guidelines, 2024. Collection method: curation. Allele origin: germline. Inheritance: Autosomal dominant inheritance.
Comment: Missense variant outside of a functional domain with no splice impact. BRCA1 and BRCA2 VCEP guidelines recommend application of BP1_Strong (PMID: 39142283)

NM_000059.4(BRCA2):c.4040T>C (p.Val1347Ala)

Gene: BRCA2 (BRCA2 DNA repair associated; plus strand). Cytogenetic location: 13q13.1.
Variant type: single nucleotide variant.
Coding change: c.4040T>C on transcript NM_000059.4 (MANE Select); coding-DNA position 4040, T replaced by C.
Protein change: p.Val1347Ala; replaces valine 1347 with alanine.
Molecular consequence: missense variant. On other transcripts: non-coding transcript variant (1), intron variant (2).
Genome position (GRCh38, 1-based): chr13:32,338,395, T>C. VCF-style: chr13-32338395-T-C. GRCh37 (hg19) VCF-style: chr13-32912532-T-C.
Other names: c.4040T>C, p.Val1347Ala (NM_001406719.1, NM_001406720.1, NM_001432077.1); c.1909+5008T>C (NM_001406721.1); c.425-6163T>C (NM_001406722.1); short protein forms V1347A.
Identifiers: ClinVar variation 4856494 (VCV004856494.2).
Genomic context (GRCh38, chr13:32,338,395, plus strand): 5'-CCAGTAGAAATTCTCATAACTTAGAATTTGATGGCAGTGATTCAAGTAAAAATGATACTG[T>C]TTGTATTCATAAAGATGAAACGGACTTGCTATTTACTGATCAGCACAACATATGTCTTAA-3'
Protein context (NP_000050.3, residues 1337-1357): DGSDSSKNDT[Val1347Ala]CIHKDETDLL